The following is an entry in ClinVar:

ClinVar aggregate classification (germline): Likely benign. Review status: criteria provided, multiple submitters, no conflicts (2 of 4 stars). 3 submissions from 3 submitters: Likely benign (2). 1 of the submissions does not count toward it. Last evaluated 2024-08-01.

Conditions:
Hereditary spastic paraplegia 49 (HSAN9). Also called: NEUROPATHY, HEREDITARY SENSORY AND AUTONOMIC, TYPE IX, WITH DEVELOPMENTAL DELAY; Spastic paraplegia 49, autosomal recessive; TECPR2-Related Hereditary Sensory and Autonomic Neuropathy with Intellectual Disability. Identifiers: Orphanet 320385, MedGen C5190860, MONDO:0014016, OMIM 615031.

Allele frequency attached by ClinVar (database versions not stated): ExAC 0.00003; gnomAD exomes 0.00004; 1000 Genomes Project 30x 0.00016; 1000 Genomes Project 0.00020.
gnomAD v4.1: 25 of 1,613,376 alleles (0.0015%); highest among the groups gnomAD compares: East Asian, 0.016%; no homozygotes.

Submissions (3):

CeGaT Center for Human Genetics Tuebingen
Classification: Likely benign. Last evaluated: 2024-08-01. Review status: criteria provided, single submitter. Criteria: CeGaT Center For Human Genetics Tuebingen Variant Classification Criteria Version 2. Collection method: clinical testing. Allele origin: germline. Affected: yes. Observed: 1 variant allele.
Comment: TECPR2: BP4, BP7

Labcorp Genetics (formerly Invitae), Labcorp
Classification: Likely benign for Hereditary spastic paraplegia 49. Last evaluated: 2024-03-13. Review status: criteria provided, single submitter. Criteria: Invitae Variant Classification Sherloc (09022015). Collection method: clinical testing. Allele origin: germline.

Natera, Inc.
Classification: Likely benign for Autosomal recessive spastic paraplegia type 49. Last evaluated: 2020-05-06. Review status: no assertion criteria provided. Collection method: clinical testing. Allele origin: germline. Not counted in ClinVar's aggregate classification.

NM_014844.5(TECPR2):c.4119C>T (p.Pro1373=)

Gene: TECPR2 (tectonin beta-propeller repeat containing 2; plus strand). Cytogenetic location: 14q32.31.
Variant type: single nucleotide variant.
Coding change: c.4119C>T on transcript NM_014844.5 (MANE Select); coding-DNA position 4119, C replaced by T.
Protein change: p.Pro1373=; no amino-acid change (proline 1373 retained).
Molecular consequence: synonymous variant.
Genome position (GRCh38, 1-based): chr14:102,498,140, C>T. VCF-style: chr14-102498140-C-T. GRCh37 (hg19) VCF-style: chr14-102964477-C-T.
Identifiers: ClinVar variation 1084734 (VCV001084734.28), dbSNP rs536343745, ClinGen allele CA7358479.